The following is an entry in ClinVar:

ClinVar aggregate classification (germline): Uncertain significance (1 of 4 stars; one submission).

Allele frequency attached by ClinVar (database versions not stated): ExAC 0.00001; gnomAD exomes 0.00003 and 0.00004; gnomAD 0.00005 and 0.00006; ESP Exome Variant Server 0.00008; TOPMed 0.00010.
gnomAD v4.1: 45 of 1,613,814 alleles (0.0028%); highest among the groups gnomAD compares: East Asian, 0.036%; no homozygotes.

Submission:

Labcorp Genetics (formerly Invitae), Labcorp
Classification: Uncertain significance. Last evaluated: 2025-05-05. Review status: criteria provided, single submitter. Criteria: Invitae Variant Classification Sherloc (09022015). Collection method: clinical testing. Allele origin: germline.
Comment: This sequence change replaces arginine, which is basic and polar, with glutamine, which is neutral and polar, at codon 1031 of the DSG4 protein (p.Arg1031Gln). This variant is present in population databases (rs372042028, gnomAD 0.03%). This variant has not been reported in the literature in individuals affected with DSG4-related conditions. ClinVar contains an entry for this variant (Variation ID: 1417399). An algorithm developed to predict the effect of missense changes on protein structure and function outputs the following: PolyPhen-2: "Benign". The glutamine amino acid residue is found in multiple mammalian species, which suggests that this missense change does not adversely affect protein function. In summary, the available evidence is currently insufficient to determine the role of this variant in disease. Therefore, it has been classified as a Variant of Uncertain Significance.

NM_177986.5(DSG4):c.3092G>A (p.Arg1031Gln)

Genes: DSG1-AS1 (DSG1 antisense RNA 1; minus strand), DSG4 (desmoglein 4; plus strand). Cytogenetic location: 18q12.1.
Variant type: single nucleotide variant.
Coding change: c.3092G>A on transcript NM_177986.5 (MANE Select); coding-DNA position 3092, G replaced by A.
Protein change: p.Arg1031Gln; replaces arginine 1031 with glutamine.
Molecular consequence: missense variant.
Genome position (GRCh38, 1-based): chr18:31,413,564, G>A. VCF-style: chr18-31413564-G-A. GRCh37 (hg19) VCF-style: chr18-28993527-G-A.
Other names: c.3149G>A, p.Arg1050Gln (NM_001134453.3); short protein forms R1031Q, R1050Q.
Identifiers: ClinVar variation 1417399 (VCV001417399.6), dbSNP rs372042028, ClinGen allele CA8927471.